The following is an entry in ClinVar:

NM_002240.5(KCNJ6):c.329T>A (p.Ile110Asn)

Genes: KCNJ6 (potassium inwardly rectifying channel subfamily J member 6; minus strand), KCNJ6-AS1 (KCNJ6 antisense RNA 1; plus strand). Cytogenetic location: 21q22.13.
Variant type: single nucleotide variant.
Coding change: c.329T>A on transcript NM_002240.5 (MANE Select); coding-DNA position 329, T replaced by A.
Protein change: p.Ile110Asn; replaces isoleucine 110 with asparagine.
Molecular consequence: missense variant. On other transcripts: non-coding transcript variant (1).
Genome position (GRCh38, 1-based): chr21:37,714,828, A>T on the plus strand (T>A on the coding strand, the complement: KCNJ6 is on the minus strand). VCF-style: chr21-37714828-A-T. GRCh37 (hg19) VCF-style: chr21-39087131-A-T.
Other names: short protein forms I110N.
Identifiers: ClinVar variation 3376147 (VCV003376147.3).

ClinVar aggregate classification (germline): Uncertain significance (1 of 4 stars; one submission).

Conditions:
Keppen-Lubinsky syndrome (KPLBS). Identifiers: Orphanet 435628, MedGen C3279800, MONDO:0013572, OMIM 614098.

Submission:

Institute of Human Genetics, University of Leipzig Medical Center
Classification: Uncertain significance for Keppen-Lubinsky syndrome. Last evaluated: 2024-10-28. Review status: criteria provided, single submitter. Criteria: ACMG Guidelines, 2015. Collection method: clinical testing. Allele origin: unknown. Inheritance: Autosomal dominant inheritance. Affected: yes.
Comment: Criteria applied: PM2,PP2,PP3